The following is an entry in ClinVar:

NM_006506.5(RASA2):c.848C>G (p.Ser283Cys)

Gene: RASA2 (RAS p21 protein activator 2; plus strand). Cytogenetic location: 3q23.
Variant type: single nucleotide variant.
Coding change: c.848C>G on transcript NM_006506.5 (MANE Select); coding-DNA position 848, C replaced by G.
Protein change: p.Ser283Cys; replaces serine 283 with cysteine.
Molecular consequence: missense variant.
Genome position (GRCh38, 1-based): chr3:141,559,980, C>G. VCF-style: chr3-141559980-C-G. GRCh37 (hg19) VCF-style: chr3-141278822-C-G.
Other names: c.848C>G, p.Ser283Cys (NM_001303245.3, NM_001303246.3); short protein forms S283C.
Identifiers: ClinVar variation 5027894 (VCV005027894.1).
Genomic context (GRCh38, chr3:141,559,980, plus strand): 5'-TAGTCCAAGATGTTTTCCTAGGTGAGATTAAGGTTCCTGTGAACGTATTAAGAACTGATT[C>G]CTCTCATCAAGCCTGGTAAGGGCCCAGCATTTTAGTGAACTCCATAGTTTAATTCTCTTT-3'
Protein context (NP_006497.2, residues 273-293): KVPVNVLRTD[Ser283Cys]SHQAWYLLQP

ClinVar aggregate classification (germline): Uncertain significance (1 of 4 stars; one submission).

gnomAD v4.1: 1 of 1,612,714 alleles (0.000062%); highest among the groups gnomAD compares: Non-Finnish European, 0.000085%; no homozygotes.

Submission:

Ambry Genetics
Classification: Uncertain significance. Last evaluated: 2026-08-24. Review status: criteria provided, single submitter. Criteria: Ambry Variant Classification Scheme 2023. Collection method: clinical testing. Allele origin: germline.
Comment: The p.S283C variant (also known as c.848C>G), located in coding exon 9 of the RASA2 gene, results from a C to G substitution at nucleotide position 848. The serine at codon 283 is replaced by cysteine, an amino acid with dissimilar properties. This amino acid position is conserved. In addition, this alteration is predicted to be tolerated by in silico analysis. Based on the available evidence, the clinical significance of this variant remains unclear.